The following is an entry in ClinVar:

NM_007227.3(GPR45):c.1082C>T (p.Thr361Ile)

Gene: GPR45 (G protein-coupled receptor 45; plus strand). Cytogenetic location: 2q12.1.
Variant type: single nucleotide variant.
Coding change: c.1082C>T on transcript NM_007227.3 (MANE Select); coding-DNA position 1082, C replaced by T.
Protein change: p.Thr361Ile; replaces threonine 361 with isoleucine.
Molecular consequence: missense variant.
Genome position (GRCh38, 1-based): chr2:105,242,940, C>T. VCF-style: chr2-105242940-C-T. GRCh37 (hg19) VCF-style: chr2-105859397-C-T.
Other names: short protein forms T361I.
Identifiers: ClinVar variation 1921484 (VCV001921484.5), dbSNP rs780688429, ClinGen allele CA1813696.

ClinVar aggregate classification (germline): Uncertain significance (1 of 4 stars; one submission).

Allele frequency attached by ClinVar (database versions not stated): gnomAD exomes below 0.00001; ExAC 0.00002; TOPMed 0.00003; gnomAD 0.00005.
gnomAD v4.1: 16 of 1,614,082 alleles (0.00099%); highest among the groups gnomAD compares: African/African-American, 0.012%; no homozygotes.

Submission:

Labcorp Genetics (formerly Invitae), Labcorp
Classification: Uncertain significance. Last evaluated: 2025-11-01. Review status: criteria provided, single submitter. Criteria: Invitae Variant Classification Sherloc (09022015). Collection method: clinical testing. Allele origin: germline.
Comment: This sequence change replaces threonine, which is neutral and polar, with isoleucine, which is neutral and non-polar, at codon 361 of the GPR45 protein (p.Thr361Ile). This variant is present in population databases (rs780688429, gnomAD 0.02%). This variant has not been reported in the literature in individuals affected with GPR45-related conditions. ClinVar contains an entry for this variant (Variation ID: 1921484). An algorithm developed to predict the effect of missense changes on protein structure and function (PolyPhen-2) suggests that this variant is likely to be tolerated. In summary, the available evidence is currently insufficient to determine the role of this variant in disease. Therefore, it has been classified as a Variant of Uncertain Significance.